The following is an entry in ClinVar:

NM_207037.2(TCF12):c.1896del (p.Lys633fs)

Gene: TCF12 (transcription factor 12; plus strand). Cytogenetic location: 15q21.3.
Variant type: Deletion.
Coding change: c.1896del on transcript NM_207037.2 (MANE Select); coding-DNA position 1896, one base deleted (G; older notation c.1896delG).
Protein change: p.Lys633fs; shifts the reading frame from lysine 633.
Molecular consequence: frameshift variant.
Genome position (GRCh38, 1-based): chr15:57,273,180, G deleted. VCF-style (leftmost placement, unchanged base first): chr15-57273179-TG-T. GRCh37 (hg19) VCF-style: chr15-57565377-TG-T.
Other names: c.1386del, p.Lys463fs (NM_001306219.3); c.1116del, p.Lys373fs (NM_001306220.3); c.1896del, p.Lys633fs (NM_001322151.2, NM_001322159.3, NM_001322162.2 and 1 more transcripts); c.1893del, p.Lys632fs (NM_001322152.2, NM_001322161.2); c.1239del, p.Lys414fs (NM_001322154.2); c.1722del, p.Lys575fs (NM_001322156.2); c.1824del, p.Lys609fs (NM_001322157.3, NM_001322165.2, NM_003205.4 and 1 more transcripts); c.1650del, p.Lys551fs (NM_001322158.2); and 2 more; short protein forms K609fs, K633fs, K439fs, K621fs, K414fs, K551fs, K373fs, K463fs.
Identifiers: ClinVar variation 2735333 (VCV002735333.3), dbSNP rs2498942293, ClinGen allele CA2697549122.

ClinVar aggregate classification (germline): Pathogenic (1 of 4 stars; one submission).

Submission:

Labcorp Genetics (formerly Invitae), Labcorp
Classification: Pathogenic. Last evaluated: 2023-07-03. Review status: criteria provided, single submitter. Criteria: Invitae Variant Classification Sherloc (09022015). Collection method: clinical testing. Allele origin: germline.
Comment: For these reasons, this variant has been classified as Pathogenic. This variant has not been reported in the literature in individuals affected with TCF12-related conditions. This variant is not present in population databases (gnomAD no frequency). This sequence change creates a premature translational stop signal (p.Lys633Argfs*22) in the TCF12 gene. It is expected to result in an absent or disrupted protein product. Loss-of-function variants in TCF12 are known to be pathogenic (PMID: 23354436, 32620954).

Literature cited by the submitters: PubMed 23354436; PubMed 32620954.